The following is an entry in ClinVar:

NM_002890.3(RASA1):c.1049+1G>A

Genes: CCNH (cyclin H; minus strand), RASA1 (RAS p21 protein activator 1; plus strand). Cytogenetic location: 5q14.3.
Variant type: single nucleotide variant.
Coding change: c.1049+1G>A on transcript NM_002890.3 (MANE Select); the canonical splice donor site of the intron after coding-DNA position 1049, G replaced by A.
Molecular consequence: splice donor variant. On other transcripts: intron variant (1).
Genome position (GRCh38, 1-based): chr5:87,341,322, G>A. VCF-style: chr5-87341322-G-A. GRCh37 (hg19) VCF-style: chr5-86637139-G-A.
Other names: c.518+1G>A (NM_022650.3); c.934-28527C>T (NM_001364075.2).
Identifiers: ClinVar variation 4732509 (VCV004732509.1).
Genomic context (GRCh38, chr5:87,341,322, plus strand): 5'-AAATACTGTCTTAATGTCTTCCCTTTAGGGCCGGGAAGAAGATCCACATGAAGGAAAAAT[G>A]TGAGTTTGTGTTAATTATTAAAATGAAAAAAAAAATCTATATTGTAAATTTACTAATTGG-3'

ClinVar aggregate classification (germline): Likely pathogenic (1 of 4 stars; one submission).

Conditions:
Capillary malformation-arteriovenous malformation syndrome. Also called: Capillary malformation-arteriovenous malformation. Identifiers: Orphanet 137667, MedGen C1842180, MONDO:0012016.

Submission:

Labcorp Genetics (formerly Invitae), Labcorp
Classification: Likely pathogenic for Capillary malformation-arteriovenous malformation syndrome. Last evaluated: 2025-12-03. Review status: criteria provided, single submitter. Criteria: Invitae Variant Classification Sherloc (09022015). Collection method: clinical testing. Allele origin: germline.
Comment: This sequence change affects a donor splice site in intron 6 of the RASA1 gene. It is expected to disrupt RNA splicing. Variants that disrupt the donor or acceptor splice site typically lead to a loss of protein function (PMID: 16199547), and loss-of-function variants in RASA1 are known to be pathogenic (PMID: 24038909). This variant is not present in population databases (gnomAD no frequency). This variant has not been reported in the literature in individuals affected with RASA1-related conditions. Algorithms developed to predict the effect of sequence changes on RNA splicing suggest that this variant may disrupt the consensus splice site. In summary, the currently available evidence indicates that the variant is pathogenic, but additional data are needed to prove that conclusively. Therefore, this variant has been classified as Likely Pathogenic.

Literature cited by the submitters: PubMed 16199547; PubMed 24038909.